The following is an entry in ClinVar:

ClinVar aggregate classification (germline): Uncertain significance. Review status: criteria provided, multiple submitters, no conflicts (2 of 4 stars). 2 submissions from 2 submitters: Uncertain significance (2). Last evaluated 2022-03-03.

Conditions:
Alstrom syndrome (ALMS). Identifiers: Orphanet 64, MedGen C0268425, MONDO:0008763, OMIM 203800.

Allele frequency attached by ClinVar (database versions not stated): gnomAD exomes below 0.00001 and 0.00001; ExAC 0.00001; ESP Exome Variant Server 0.00008.
gnomAD v4.1: 20 of 1,614,176 alleles (0.0012%); highest among the groups gnomAD compares: Non-Finnish European, 0.0015%; no homozygotes.

Submissions (2):

Labcorp Genetics (formerly Invitae), Labcorp
Classification: Uncertain significance for Alstrom syndrome. Last evaluated: 2022-03-03. Review status: criteria provided, single submitter. Criteria: Invitae Variant Classification Sherloc (09022015). Collection method: clinical testing. Allele origin: germline.
Comment: This sequence change replaces alanine, which is neutral and non-polar, with threonine, which is neutral and polar, at codon 3044 of the ALMS1 protein (p.Ala3044Thr). This variant is present in population databases (rs373870241, gnomAD 0.0009%). This variant has not been reported in the literature in individuals affected with ALMS1-related conditions. Experimental studies and prediction algorithms are not available or were not evaluated, and the functional significance of this variant is currently unknown. In summary, the available evidence is currently insufficient to determine the role of this variant in disease. Therefore, it has been classified as a Variant of Uncertain Significance.

Blueprint Genetics
Classification: Uncertain significance. Last evaluated: 2021-04-12. Review status: criteria provided, single submitter. Criteria: ACMG Guidelines, 2015. Collection method: clinical testing. Allele origin: germline.

NM_001378454.1(ALMS1):c.9127G>A (p.Ala3043Thr)

Gene: ALMS1 (ALMS1 centrosome and basal body associated protein; plus strand). Cytogenetic location: 2p13.1.
Variant type: single nucleotide variant.
Coding change: c.9127G>A on transcript NM_001378454.1 (MANE Select); coding-DNA position 9127, G replaced by A.
Protein change: p.Ala3043Thr; replaces alanine 3043 with threonine.
Molecular consequence: missense variant.
Genome position (GRCh38, 1-based): chr2:73,491,086, G>A. VCF-style: chr2-73491086-G-A. GRCh37 (hg19) VCF-style: chr2-73718213-G-A.
Other names: c.9130G>A, p.Ala3044Thr (NM_015120.4); short protein forms A3044T, A3043T.
Identifiers: ClinVar variation 1428394 (VCV001428394.4), dbSNP rs373870241, ClinGen allele CA1714608.
Genomic context (GRCh38, chr2:73,491,086, plus strand): 5'-TCAGCCCCAAATCACTGTACATTAGCAGCATCTGCATCTACTCCTCCTTCAAATAGAAAA[G>A]CACTTTCTTGTGTTCATATAACTCTTTGTCCCAAGACTTCTTCCAAGTTGGATAGTGGAA-3'
Protein context (NP_001365383.1, residues 3033-3053): SASTPPSNRK[Ala3043Thr]LSCVHITLCP